The following is an entry in ClinVar:

NM_138694.4(PKHD1):c.10302del (p.Ser3435fs)

Gene: PKHD1 (PKHD1 ciliary IPT domain containing fibrocystin/polyductin; minus strand). Cytogenetic location: 6p12.3.
Variant type: Deletion.
Coding change: c.10302del on transcript NM_138694.4 (MANE Select); coding-DNA position 10302, one base deleted (T; older notation c.10302delT).
Protein change: p.Ser3435fs; shifts the reading frame from serine 3435.
Molecular consequence: frameshift variant.
Genome position (GRCh38, 1-based): chr6:51,659,824, A deleted on the plus strand (T on the coding strand, the reverse complement: PKHD1 is on the minus strand). VCF-style (leftmost placement, unchanged base first): chr6-51659823-TA-T. GRCh37 (hg19) VCF-style: chr6-51524621-TA-T.
Other names: short protein forms S3435fs.
Identifiers: ClinVar variation 4816539 (VCV004816539.1).

ClinVar aggregate classification (germline): Likely pathogenic (1 of 4 stars; one submission).

Conditions:
Autosomal recessive polycystic kidney disease (ARPKD). Also called: AR polycystic kidney disease. Identifiers: Orphanet 731, Orphanet 8378, MedGen C0085548, MeSH D017044, MONDO:0009889.

Submission:

Natera, Inc.
Classification: Likely pathogenic for Autosomal recessive polycystic kidney disease. Last evaluated: 2025-09-11. Review status: criteria provided, single submitter. Criteria: Natera Variant Classification Schema (03/2026). Collection method: clinical testing. Allele origin: germline.
Comment: The c.10302del variant in PKHD1 is a frameshift variant predicted to shift the reading frame beginning at codon 3435 and leads to a stop codon 10 codons downstream. This variant is expected to result in nonsense mediated decay, truncation, or a dysfunctional protein product. This variant is rare in the general population with a frequency below the threshold expected for the associated phenotype(s). Given the available evidence, this variant is classified as Likely Pathogenic.